The following is an entry in ClinVar:

ClinVar aggregate classification (germline): Uncertain significance (1 of 4 stars; one submission).

Submission:

GeneDx
Classification: Uncertain significance. Last evaluated: 2022-12-14. Review status: criteria provided, single submitter. Criteria: GeneDx Variant Classification Process June 2021. Collection method: clinical testing. Allele origin: germline. Affected: yes.
Comment: Not observed at significant frequency in large population cohorts (gnomAD); In silico analysis supports that this missense variant has a deleterious effect on protein structure/function; Has not been previously published as pathogenic or benign to our knowledge

NM_001127222.2(CACNA1A):c.6682T>C (p.Tyr2228His)

Gene: CACNA1A (calcium voltage-gated channel subunit alpha1 A; minus strand). Cytogenetic location: 19p13.13.
Variant type: single nucleotide variant.
Coding change: c.6682T>C on transcript NM_001127222.2 (MANE Select); coding-DNA position 6682, T replaced by C.
Protein change: p.Tyr2228His; replaces tyrosine 2228 with histidine.
Molecular consequence: missense variant.
Genome position (GRCh38, 1-based): chr19:13,208,854, A>G on the plus strand (T>C on the coding strand, the complement: CACNA1A is on the minus strand). VCF-style: chr19-13208854-A-G. GRCh37 (hg19) VCF-style: chr19-13319668-A-G.
Other names: c.6700T>C, p.Tyr2234His (NM_000068.4, NM_023035.3); c.6685T>C, p.Tyr2229His (NM_001127221.2); c.6691T>C, p.Tyr2231His (NM_001174080.2); short protein forms Y2228H, Y2229H, Y2231H, Y2234H.
Identifiers: ClinVar variation 2505829 (VCV002505829.1), dbSNP rs2144501287, ClinGen allele CA404329724.